The following is an entry in ClinVar:

NM_024675.4(PALB2):c.294C>G (p.Ile98Met)

Gene: PALB2 (partner and localizer of BRCA2; minus strand). Cytogenetic location: 16p12.2.
Variant type: single nucleotide variant.
Coding change: c.294C>G on transcript NM_024675.4 (MANE Select); coding-DNA position 294, C replaced by G.
Protein change: p.Ile98Met; replaces isoleucine 98 with methionine.
Molecular consequence: missense variant.
Genome position (GRCh38, 1-based): chr16:23,636,252, G>C on the plus strand (C>G on the coding strand, the complement: PALB2 is on the minus strand). VCF-style: chr16-23636252-G-C. GRCh37 (hg19) VCF-style: chr16-23647573-G-C.
Other names: short protein forms I98M.
Identifiers: ClinVar variation 410102 (VCV000410102.14), dbSNP rs1060502730, ClinGen allele CA16615308.

ClinVar aggregate classification (germline): Uncertain significance. Review status: criteria provided, multiple submitters, no conflicts (2 of 4 stars). 3 submissions from 3 submitters: Uncertain significance (3). Last evaluated 2024-12-23.

Conditions:
Pancreatic cancer, susceptibility to, 3. Identifiers: Orphanet 1333, MedGen C3150547, MONDO:0013236, OMIM 613348.
Breast-ovarian cancer, familial, susceptibility to, 5 (BROVCA5). Identifiers: MedGen C5830615, MONDO:0957530, OMIM 620442.
Fanconi anemia complementation group N. Also called: PALB2-Related Fanconi Anemia. Identifiers: Orphanet 84, MedGen C1835817, MONDO:0012565, OMIM 610832. Disease mechanism: loss of function.
Hereditary cancer-predisposing syndrome. Also called: Hereditary neoplastic syndrome; Neoplastic Syndromes, Hereditary; Tumor predisposition; Hereditary Cancer Syndrome. Identifiers: Orphanet 140162, MedGen C0027672, MeSH D009386, MONDO:0015356.
Familial cancer of breast. Also called: Hereditary breast cancer; hereditary breast carcinoma; BREAST CANCER, FAMILIAL. Identifiers: Orphanet 227535, MedGen C0346153, MONDO:0016419, OMIM 114480. Disease mechanism: loss of function.

Allele frequency attached by ClinVar (database versions not stated): gnomAD exomes below 0.00001.
gnomAD v4.1: 4 of 1,613,738 alleles (0.00025%); highest among the groups gnomAD compares: Non-Finnish European, 0.00034%; no homozygotes.

Submissions (3):

Department of Pathology and Laboratory Medicine, Sinai Health System
Classification: Uncertain significance for Fanconi anemia complementation group N; Pancreatic cancer, susceptibility to, 3; Breast-ovarian cancer, familial, susceptibility to, 5. Last evaluated: 2024-12-23. Review status: criteria provided, single submitter. Criteria: ACMG Guidelines, 2015. Collection method: clinical testing. Allele origin: germline.

Labcorp Genetics (formerly Invitae), Labcorp
Classification: Uncertain significance for Familial cancer of breast. Last evaluated: 2024-06-21. Review status: criteria provided, single submitter. Criteria: Invitae Variant Classification Sherloc (09022015). Collection method: clinical testing. Allele origin: germline.
Comment: This sequence change replaces isoleucine, which is neutral and non-polar, with methionine, which is neutral and non-polar, at codon 98 of the PALB2 protein (p.Ile98Met). This variant is not present in population databases (gnomAD no frequency). This variant has not been reported in the literature in individuals affected with PALB2-related conditions. ClinVar contains an entry for this variant (Variation ID: 410102). An algorithm developed to predict the effect of missense changes on protein structure and function (PolyPhen-2) suggests that this variant is likely to be tolerated. In summary, the available evidence is currently insufficient to determine the role of this variant in disease. Therefore, it has been classified as a Variant of Uncertain Significance.

Ambry Genetics
Classification: Uncertain significance for Hereditary cancer-predisposing syndrome. Last evaluated: 2023-07-27. Review status: criteria provided, single submitter. Criteria: Ambry Variant Classification Scheme 2023. Collection method: clinical testing. Allele origin: germline.
Comment: The p.I98M variant (also known as c.294C>G), located in coding exon 4 of the PALB2 gene, results from a C to G substitution at nucleotide position 294. The isoleucine at codon 98 is replaced by methionine, an amino acid with highly similar properties. This amino acid position is conserved. In addition, this alteration is predicted to be tolerated by in silico analysis. Since supporting evidence is limited at this time, the clinical significance of this alteration remains unclear.